The following is an entry in ClinVar:

NM_198253.3(TERT):c.692G>A (p.Ser231Asn)

Gene: TERT (telomerase reverse transcriptase; minus strand). Cytogenetic location: 5p15.33.
Variant type: single nucleotide variant.
Coding change: c.692G>A on transcript NM_198253.3 (MANE Select); coding-DNA position 692, G replaced by A.
Protein change: p.Ser231Asn; replaces serine 231 with asparagine.
Molecular consequence: missense variant. On other transcripts: non-coding transcript variant (2).
Genome position (GRCh38, 1-based): chr5:1,294,194, C>T on the plus strand (G>A on the coding strand, the complement: TERT is on the minus strand). VCF-style: chr5-1294194-C-T. GRCh37 (hg19) VCF-style: chr5-1294309-C-T.
Other names: c.692G>A, p.Ser231Asn (NM_001193376.3, NM_003219.1); short protein forms S231N.
Identifiers: ClinVar variation 1720866 (VCV001720866.6), dbSNP rs2478421894, ClinGen allele CA359057017.

ClinVar aggregate classification (germline): Uncertain significance (1 of 4 stars; one submission).

Conditions:
Dyskeratosis congenita, autosomal dominant 2. Identifiers: MedGen C3151443, MONDO:0013521, OMIM 613989.
Idiopathic Pulmonary Fibrosis. Also called: Idiopathic fibrosing alveolitis, chronic form; idiopathic fibrosing alveolitis. Identifiers: Orphanet 2032, MedGen C1800706, MeSH D054990, MONDO:0800504.

Submission:

Labcorp Genetics (formerly Invitae), Labcorp
Classification: Uncertain significance for Dyskeratosis congenita, autosomal dominant 2; Idiopathic Pulmonary Fibrosis. Last evaluated: 2023-10-13. Review status: criteria provided, single submitter. Criteria: Invitae Variant Classification Sherloc (09022015). Collection method: clinical testing. Allele origin: germline.
Comment: This sequence change replaces serine, which is neutral and polar, with asparagine, which is neutral and polar, at codon 231 of the TERT protein (p.Ser231Asn). This variant is not present in population databases (gnomAD no frequency). This variant has not been reported in the literature in individuals affected with TERT-related conditions. ClinVar contains an entry for this variant (Variation ID: 1720866). Algorithms developed to predict the effect of missense changes on protein structure and function output the following: SIFT: "Not Available"; PolyPhen-2: "Benign"; Align-GVGD: "Not Available". The asparagine amino acid residue is found in multiple mammalian species, which suggests that this missense change does not adversely affect protein function. In summary, the available evidence is currently insufficient to determine the role of this variant in disease. Therefore, it has been classified as a Variant of Uncertain Significance.